The following is an entry in ClinVar:

NM_017780.4(CHD7):c.732_739delinsTATGGCAT (p.Pro247Ser)

Gene: CHD7 (chromodomain helicase DNA binding protein 7; plus strand). Cytogenetic location: 8q12.2.
Variant type: Indel.
Coding change: c.732_739delinsTATGGCAT on transcript NM_017780.4 (MANE Select); coding-DNA positions 732 to 739, CATGGCAC replaced by TATGGCAT.
Protein change: p.Pro247Ser; replaces proline 247 with serine.
Molecular consequence: missense variant.
Genome position (GRCh38, 1-based): chr8:60,742,164-60,742,171, CATGGCAC replaced by TATGGCAT. VCF-style: chr8-60742164-CATGGCAC-TATGGCAT. GRCh37 (hg19) VCF-style: chr8-61654723-CATGGCAC-TATGGCAT.
Other names: c.732_739delinsTATGGCAT, p.Pro247Ser (NM_001316690.1); short protein forms P247S.
Identifiers: ClinVar variation 1335839 (VCV001335839.3), dbSNP rs2150579026, ClinGen allele CA2573053028.

ClinVar aggregate classification (germline): Uncertain significance (1 of 4 stars; one submission).

Submission:

GeneDx
Classification: Uncertain significance. Last evaluated: 2022-07-22. Review status: criteria provided, single submitter. Criteria: GeneDx Variant Classification Process June 2021. Collection method: clinical testing. Allele origin: germline. Affected: yes.
Comment: Not observed at significant frequency in large population cohorts (gnomAD); In silico analysis supports that this variant does not alter protein structure/function; Has not been previously published as pathogenic or benign to our knowledge